The following is an entry in ClinVar:

ClinVar aggregate classification (germline): Uncertain significance (1 of 4 stars; one submission).

Submission:

GeneDx
Classification: Uncertain significance. Last evaluated: 2025-06-26. Review status: criteria provided, single submitter. Criteria: GeneDx Variant Classification Process June 2021. Collection method: clinical testing. Allele origin: germline. Affected: yes.
Comment: Not observed at significant frequency in large population cohorts (gnomAD); In silico analysis supports that this missense variant has a deleterious effect on protein structure/function; Has not been previously published as pathogenic or benign to our knowledge

NM_001273.5(CHD4):c.4196C>T (p.Pro1399Leu)

Genes: CHD4 (chromodomain helicase DNA binding protein 4; minus strand), CHD4-AS1 (CHD4 antisense RNA 1; plus strand). Cytogenetic location: 12p13.31.
Variant type: single nucleotide variant.
Coding change: c.4196C>T on transcript NM_001273.5 (MANE Select); coding-DNA position 4196, C replaced by T.
Protein change: p.Pro1399Leu; replaces proline 1399 with leucine.
Molecular consequence: missense variant. On other transcripts: non-coding transcript variant (2).
Genome position (GRCh38, 1-based): chr12:6,582,888, G>A on the plus strand (C>T on the coding strand, the complement: CHD4 is on the minus strand). VCF-style: chr12-6582888-G-A. GRCh37 (hg19) VCF-style: chr12-6692054-G-A.
Other names: c.4175C>T, p.Pro1392Leu (NM_001297553.2); c.4157C>T, p.Pro1386Leu (NM_001363606.2); short protein forms P1386L, P1392L, P1399L.
Identifiers: ClinVar variation 4540263 (VCV004540263.1).